The following is an entry in ClinVar:

NM_007373.4(SHOC2):c.1166A>G (p.Asn389Ser)

Gene: SHOC2 (SHOC2 leucine rich repeat scaffold protein; plus strand). Cytogenetic location: 10q25.2.
Variant type: single nucleotide variant.
Coding change: c.1166A>G on transcript NM_007373.4 (MANE Select); coding-DNA position 1166, A replaced by G.
Protein change: p.Asn389Ser; replaces asparagine 389 with serine.
Molecular consequence: missense variant. On other transcripts: non-coding transcript variant (1).
Genome position (GRCh38, 1-based): chr10:111,007,535, A>G. VCF-style: chr10-111007535-A-G. GRCh37 (hg19) VCF-style: chr10-112767293-A-G.
Other names: c.1028A>G, p.Asn343Ser (NM_001269039.3); c.1166A>G, p.Asn389Ser (NM_001324336.2, NM_001324337.2); short protein forms N343S, N389S.
Identifiers: ClinVar variation 1501403 (VCV001501403.8), dbSNP rs2134177725, ClinGen allele CA378523309.

ClinVar aggregate classification (germline): Uncertain significance (1 of 4 stars; one submission).

Conditions:
RASopathy. Also called: rasopathies; Noonan spectrum disorder. Identifiers: Orphanet 536391, MedGen C5555857, MONDO:0021060.

Submission:

Labcorp Genetics (formerly Invitae), Labcorp
Classification: Uncertain significance for RASopathy. Last evaluated: 2021-05-30. Review status: criteria provided, single submitter. Criteria: Invitae Variant Classification Sherloc (09022015). Collection method: clinical testing. Allele origin: germline.
Comment: This variant is not present in population databases (ExAC no frequency). In summary, the available evidence is currently insufficient to determine the role of this variant in disease. Therefore, it has been classified as a Variant of Uncertain Significance. Algorithms developed to predict the effect of sequence changes on RNA splicing suggest that this variant may create or strengthen a splice site, but this prediction has not been confirmed by published transcriptional studies. Algorithms developed to predict the effect of missense changes on protein structure and function are either unavailable or do not agree on the potential impact of this missense change (SIFT: "Deleterious"; PolyPhen-2: "Probably Damaging"; Align-GVGD: "Class C0"). This variant has not been reported in the literature in individuals with SHOC2-related conditions. This sequence change replaces asparagine with serine at codon 389 of the SHOC2 protein (p.Asn389Ser). The asparagine residue is highly conserved and there is a small physicochemical difference between asparagine and serine.